The following is an entry in ClinVar:

ClinVar aggregate classification (germline): Uncertain significance (1 of 4 stars; one submission).

Submission:

Labcorp Genetics (formerly Invitae), Labcorp
Classification: Uncertain significance. Last evaluated: 2022-12-20. Review status: criteria provided, single submitter. Criteria: Invitae Variant Classification Sherloc (09022015). Collection method: clinical testing. Allele origin: germline.
Comment: This sequence change creates a premature translational stop signal (p.Leu1092Trpfs*3) in the ANKRD26 gene. It is expected to result in an absent or disrupted protein product. However, the current clinical and genetic evidence is not sufficient to establish whether loss-of-function variants in ANKRD26 cause disease. This variant is present in population databases (no rsID available, gnomAD 0.0009%). This variant has not been reported in the literature in individuals affected with ANKRD26-related conditions. In summary, the available evidence is currently insufficient to determine the role of this variant in disease. Therefore, it has been classified as a Variant of Uncertain Significance.

NM_014915.3(ANKRD26):c.3275del (p.Leu1092fs)

Gene: ANKRD26 (ankyrin repeat domain 26; minus strand). Cytogenetic location: 10p12.1.
Variant type: Deletion.
Coding change: c.3275del on transcript NM_014915.3 (MANE Select); coding-DNA position 3275, one base deleted (T; older notation c.3275delT).
Protein change: p.Leu1092fs; shifts the reading frame from leucine 1092.
Molecular consequence: frameshift variant.
Genome position (GRCh38, 1-based): chr10:27,035,175, A deleted on the plus strand (T on the coding strand, the reverse complement: ANKRD26 is on the minus strand); the first of 3 consecutive A bases (chr10:27,035,175-27,035,177); deleting any one gives the same sequence. VCF-style (leftmost placement, unchanged base first): chr10-27035174-CA-C. GRCh37 (hg19) VCF-style: chr10-27324103-CA-C.
Other names: c.3272del, p.Leu1091fs (NM_001256053.2); short protein forms L1092fs, L1091fs.
Identifiers: ClinVar variation 2886509 (VCV002886509.3), dbSNP rs1168968039, ClinGen allele CA592780291.